The following is an entry in ClinVar:

ClinVar aggregate classification (germline): Uncertain significance (1 of 4 stars; one submission).

Conditions:
Primary ciliary dyskinesia. Also called: Ciliary dyskinesia. Identifiers: Orphanet 244, MedGen C0008780, MONDO:0016575, HP:0012265.

Submission:

Labcorp Genetics (formerly Invitae), Labcorp
Classification: Uncertain significance for Primary ciliary dyskinesia. Last evaluated: 2024-02-17. Review status: criteria provided, single submitter. Criteria: Invitae Variant Classification Sherloc (09022015). Collection method: clinical testing. Allele origin: germline.
Comment: This sequence change replaces tyrosine, which is neutral and polar, with asparagine, which is neutral and polar, at codon 1765 of the DNAH11 protein (p.Tyr1765Asn). This variant is not present in population databases (gnomAD no frequency). This variant has not been reported in the literature in individuals affected with DNAH11-related conditions. ClinVar contains an entry for this variant (Variation ID: 838774). Advanced modeling of protein sequence and biophysical properties (such as structural, functional, and spatial information, amino acid conservation, physicochemical variation, residue mobility, and thermodynamic stability) performed at Invitae indicates that this missense variant is not expected to disrupt DNAH11 protein function with a negative predictive value of 95%. In summary, the available evidence is currently insufficient to determine the role of this variant in disease. Therefore, it has been classified as a Variant of Uncertain Significance.

NM_001277115.2(DNAH11):c.5293T>A (p.Tyr1765Asn)

Gene: DNAH11 (dynein axonemal heavy chain 11; plus strand). Cytogenetic location: 7p15.3.
Variant type: single nucleotide variant.
Coding change: c.5293T>A on transcript NM_001277115.2 (MANE Select); coding-DNA position 5293, T replaced by A.
Protein change: p.Tyr1765Asn; replaces tyrosine 1765 with asparagine.
Molecular consequence: missense variant.
Genome position (GRCh38, 1-based): chr7:21,658,996, T>A. VCF-style: chr7-21658996-T-A. GRCh37 (hg19) VCF-style: chr7-21698614-T-A.
Other names: short protein forms Y1765N.
Identifiers: ClinVar variation 838774 (VCV000838774.10), dbSNP rs1782134654, ClinGen allele CA366940468.
Genomic context (GRCh38, chr7:21,658,996, plus strand): 5'-AGCTCACAAATATGGTGGACCACAGATGTAGGAATAGCCTTCAGTAGACTGGAAGAAGGC[T>A]ACGAAACAGCCCTGAAGGATTTCCATAAAAAACAGGTATTACATAGATTTGTGATTTTGA-3'
Protein context (NP_001264044.1, residues 1755-1775): GIAFSRLEEG[Tyr1765Asn]ETALKDFHKK